The following is an entry in ClinVar:

NM_007317.3(KIF22):c.31C>G (p.Arg11Gly)

Gene: KIF22 (kinesin family member 22; plus strand). Cytogenetic location: 16p11.2.
Variant type: single nucleotide variant.
Coding change: c.31C>G on transcript NM_007317.3 (MANE Select); coding-DNA position 31, C replaced by G.
Protein change: p.Arg11Gly; replaces arginine 11 with glycine.
Molecular consequence: missense variant. On other transcripts: 5 prime UTR variant (1).
Genome position (GRCh38, 1-based): chr16:29,790,790, C>G. VCF-style: chr16-29790790-C-G. GRCh37 (hg19) VCF-style: chr16-29802111-C-G.
Other names: c.-223C>G (NM_001256269.2); short protein forms R11G.
Identifiers: ClinVar variation 2193251 (VCV002193251.4), dbSNP rs556897693, ClinGen allele CA7992865.

ClinVar aggregate classification (germline): Uncertain significance (1 of 4 stars; one submission).

gnomAD v4.1: 3 of 1,603,238 alleles (0.00019%); highest among the groups gnomAD compares: Non-Finnish European, 0.00017%; no homozygotes.

Submission:

Labcorp Genetics (formerly Invitae), Labcorp
Classification: Uncertain significance. Last evaluated: 2023-11-28. Review status: criteria provided, single submitter. Criteria: Invitae Variant Classification Sherloc (09022015). Collection method: clinical testing. Allele origin: germline.
Comment: This sequence change replaces arginine, which is basic and polar, with glycine, which is neutral and non-polar, at codon 11 of the KIF22 protein (p.Arg11Gly). This variant is present in population databases (rs556897693, gnomAD 0.001%). This variant has not been reported in the literature in individuals affected with KIF22-related conditions. ClinVar contains an entry for this variant (Variation ID: 2193251). Algorithms developed to predict the effect of missense changes on protein structure and function output the following: SIFT: "Not Available"; PolyPhen-2: "Benign"; Align-GVGD: "Not Available". The glycine amino acid residue is found in multiple mammalian species, which suggests that this missense change does not adversely affect protein function. In summary, the available evidence is currently insufficient to determine the role of this variant in disease. Therefore, it has been classified as a Variant of Uncertain Significance.